The following is an entry in ClinVar:

NM_024408.4(NOTCH2):c.3396G>A (p.Thr1132=)

Gene: NOTCH2 (notch receptor 2; minus strand). Cytogenetic location: 1p12.
Variant type: single nucleotide variant.
Coding change: c.3396G>A on transcript NM_024408.4 (MANE Select); coding-DNA position 3396, G replaced by A.
Protein change: p.Thr1132=; no amino-acid change (threonine 1132 retained).
Molecular consequence: synonymous variant.
Genome position (GRCh38, 1-based): chr1:119,937,408, C>T on the plus strand (G>A on the coding strand, the complement: NOTCH2 is on the minus strand). VCF-style: chr1-119937408-C-T. GRCh37 (hg19) VCF-style: chr1-120480031-C-T.
Other names: c.3396G>A (NM_024408.3); c.3396G>A, p.Thr1132= (NM_001200001.2).
Identifiers: ClinVar variation 2077769 (VCV002077769.6), dbSNP rs140630687, ClinGen allele CA1040074.

ClinVar aggregate classification (germline): Likely benign. Review status: criteria provided, multiple submitters, no conflicts (2 of 4 stars). 3 submissions from 3 submitters: Likely benign (3). Last evaluated 2025-05-21.

Conditions:
NOTCH2-related disorder. Also called: NOTCH2-related condition.
Hajdu-Cheney syndrome (HJCYS). Also called: ACROOSTEOLYSIS WITH OSTEOPOROSIS AND CHANGES IN SKULL AND MANDIBLE; SERPENTINE FIBULA-POLYCYSTIC KIDNEY SYNDROME; Acroosteolysis dominant type. Identifiers: Orphanet 955, MedGen C0917715, MONDO:0007057, OMIM 102500.

gnomAD v4.1: 30 of 1,613,990 alleles (0.0019%); highest among the groups gnomAD compares: Middle Eastern, 0.017%; no homozygotes.

Submissions (3):

PreventionGenetics, part of Exact Sciences
Classification: Likely benign for NOTCH2-related condition. Last evaluated: 2025-05-21. Review status: criteria provided, single submitter. Criteria: ACMG Guidelines, 2015. Collection method: clinical testing. Allele origin: germline.
Comment: This variant is classified as likely benign based on ACMG/AMP sequence variant interpretation guidelines (Richards et al. 2015 PMID: 25741868, with internal and published modifications).

Labcorp Genetics (formerly Invitae), Labcorp
Classification: Likely benign for Hajdu-Cheney syndrome. Last evaluated: 2025-04-21. Review status: criteria provided, single submitter. Criteria: Invitae Variant Classification Sherloc (09022015). Collection method: clinical testing. Allele origin: germline.

Blueprint Genetics
Classification: Likely benign. Last evaluated: 2023-08-17. Review status: criteria provided, single submitter. Criteria: ACMG Guidelines, 2015. Collection method: clinical testing. Allele origin: germline.